The following is an entry in ClinVar:

ClinVar aggregate classification (germline): Uncertain significance (1 of 4 stars; one submission).

Submission:

GeneDx
Classification: Uncertain significance. Last evaluated: 2020-09-03. Review status: criteria provided, single submitter. Criteria: GeneDx Variant Classification Process June 2021. Collection method: clinical testing. Allele origin: germline. Affected: yes.
Comment: Not observed in large population cohorts (Lek et al., 2016); Has not been previously published as pathogenic or benign to our knowledge

NM_005984.5(SLC25A1):c.95-43_95-42del

Gene: SLC25A1 (solute carrier family 25 member 1; minus strand). Cytogenetic location: 22q11.21.
Variant type: Deletion.
Coding change: c.95-43_95-42del on transcript NM_005984.5 (MANE Select); 43 bases into the intron before coding-DNA position 95 through 42 bases into the intron before coding-DNA position 95, 2 bases deleted (CG; older notation c.95-43_95-42delCG).
Molecular consequence: intron variant. On other transcripts: frameshift variant (1).
Genome position (GRCh38, 1-based): chr22:19,178,282-19,178,283, CG deleted on the plus strand (CG on the coding strand, the reverse complement: SLC25A1 is on the minus strand); deleting any 2 consecutive bases within chr22:19,178,282-19,178,284 gives the same sequence; the c. name uses the placement nearest the transcript's 3' end. VCF-style (leftmost placement, unchanged base first): chr22-19178281-CCG-C. GRCh37 (hg19) VCF-style: chr22-19165794-CCG-C.
Other names: c.73_74del, p.Arg25fs (NM_001256534.2); c.-215-43_-215-42del (NM_001287387.2); short protein forms R25fs.
Identifiers: ClinVar variation 1302463 (VCV001302463.2), dbSNP rs2146148596, ClinGen allele CA2573054972.